The following is an entry in ClinVar:

ClinVar aggregate classification (germline): Benign/Likely benign. Review status: criteria provided, multiple submitters, no conflicts (2 of 4 stars). 3 submissions from 3 submitters: Benign (1); Likely benign (2). Last evaluated 2025-10-15.

Conditions:
Hereditary cancer-predisposing syndrome. Also called: Neoplastic Syndromes, Hereditary; Hereditary Cancer Syndrome; Hereditary neoplastic syndrome; Tumor predisposition. Identifiers: Orphanet 140162, MedGen C0027672, MeSH D009386, MONDO:0015356.
Gastrointestinal stromal tumor. Also called: Gastrointestinal stromal tumor, somatic; Gastrointestinal stroma tumor. Identifiers: Orphanet 44890, MedGen C0238198, MeSH D046152, MONDO:0011719, OMIM 606764, HP:0100723.
Pheochromocytoma/paraganglioma syndrome 4. Also called: SDHB-Related Hereditary Paraganglioma-Pheochromocytoma Syndrome (Paragangliomas 4); SDHB-Related Hereditary Paraganglioma-Pheochromocytoma Syndrome; CAROTID BODY TUMORS AND MULTIPLE EXTRAADRENAL PHEOCHROMOCYTOMAS; PARAGANGLIOMA, FAMILIAL MALIGNANT; PARAGANGLIOMAS, HEREDITARY EXTRAADRENAL; PHEOCHROMOCYTOMA, FAMILIAL EXTRAADRENAL. Identifiers: Orphanet 29072, MedGen C1861848, MONDO:0007273, OMIM 115310.
Pheochromocytoma. Also called: MAX-Related Hereditary Paraganglioma-Pheochromocytoma Syndrome. Identifiers: Orphanet 29072, MedGen C0031511, MONDO:0008233, OMIM 171300, HP:0002666.

Allele frequency attached by ClinVar (database versions not stated): TOPMed below 0.00001; ExAC 0.00001; gnomAD exomes 0.00001.
gnomAD v4.1: 6 of 1,612,808 alleles (0.00037%); highest among the groups gnomAD compares: South Asian, 0.0044%; no homozygotes.

Submissions (3):

Labcorp Genetics (formerly Invitae), Labcorp
Classification: Likely benign for Gastrointestinal stromal tumor; Pheochromocytoma/paraganglioma syndrome 4; Pheochromocytoma. Last evaluated: 2025-10-15. Review status: criteria provided, single submitter. Criteria: Invitae Variant Classification Sherloc (09022015). Collection method: clinical testing. Allele origin: germline.

Myriad Genetics, Inc.
Classification: Benign for Pheochromocytoma/paraganglioma syndrome 4. Last evaluated: 2025-03-12. Review status: criteria provided, single submitter. Criteria: Myriad Autosomal Dominant, Autosomal Recessive and X-Linked Classification Criteria (2023). Collection method: clinical testing. Allele origin: unknown.
Comment: This variant is considered benign. This variant is a silent/synonymous amino acid change and it is not expected to impact splicing.

Ambry Genetics
Classification: Likely benign for Hereditary cancer-predisposing syndrome. Last evaluated: 2022-09-08. Review status: criteria provided, single submitter. Criteria: Ambry Variant Classification Scheme 2023. Collection method: clinical testing. Allele origin: germline.

NM_003000.3(SDHB):c.34C>A (p.Arg12=)

Gene: SDHB (succinate dehydrogenase complex iron sulfur subunit B; minus strand). Cytogenetic location: 1p36.13.
Variant type: single nucleotide variant.
Coding change: c.34C>A on transcript NM_003000.3 (MANE Select); coding-DNA position 34, C replaced by A.
Protein change: p.Arg12=; no amino-acid change (arginine 12 retained).
Molecular consequence: synonymous variant.
Genome position (GRCh38, 1-based): chr1:17,053,986, G>T on the plus strand (C>A on the coding strand, the complement: SDHB is on the minus strand). VCF-style: chr1-17053986-G-T. GRCh37 (hg19) VCF-style: chr1-17380481-G-T.
Identifiers: ClinVar variation 753156 (VCV000753156.13), dbSNP rs761996626, ClinGen allele CA089594.